The following is an entry in ClinVar:

ClinVar aggregate classification (germline): Uncertain significance (1 of 4 stars; one submission).

Conditions:
Autoimmune lymphoproliferative syndrome type 1. Also called: AUTOIMMUNE LYMPHOPROLIFERATIVE SYNDROME, TYPE I, AUTOSOMAL DOMINANT. Identifiers: Orphanet 3261, MedGen C2717884, MONDO:0011158, OMIM 601859.

Allele frequency attached by ClinVar (database versions not stated): 1000 Genomes Project 0.00020; gnomAD 0.00001; gnomAD exomes 0.00001; TOPMed 0.00001; 1000 Genomes Project 30x 0.00031.
gnomAD v4.1: 4 of 1,614,134 alleles (0.00025%); highest among the groups gnomAD compares: African/African-American, 0.0013%; no homozygotes.

Submission:

Labcorp Genetics (formerly Invitae), Labcorp
Classification: Uncertain significance for Autoimmune lymphoproliferative syndrome. Last evaluated: 2025-09-14. Review status: criteria provided, single submitter. Criteria: Invitae Variant Classification Sherloc (09022015). Collection method: clinical testing. Allele origin: germline.
Comment: This sequence change replaces valine, which is neutral and non-polar, with methionine, which is neutral and non-polar, at codon 27 of the FAS protein (p.Val27Met). This variant is not present in population databases (gnomAD no frequency). This variant has not been reported in the literature in individuals affected with FAS-related conditions. ClinVar contains an entry for this variant (Variation ID: 1520853). An algorithm developed to predict the effect of missense changes on protein structure and function outputs the following: PolyPhen-2: "Benign". The methionine amino acid residue is found in multiple mammalian species, which suggests that this missense change does not adversely affect protein function. In summary, the available evidence is currently insufficient to determine the role of this variant in disease. Therefore, it has been classified as a Variant of Uncertain Significance.

NM_000043.6(FAS):c.79G>A (p.Val27Met)

Gene: FAS (Fas cell surface death receptor; plus strand). Cytogenetic location: 10q23.31.
Variant type: single nucleotide variant.
Coding change: c.79G>A on transcript NM_000043.6 (MANE Select); coding-DNA position 79, G replaced by A.
Protein change: p.Val27Met; replaces valine 27 with methionine.
Molecular consequence: missense variant. On other transcripts: non-coding transcript variant (7).
Genome position (GRCh38, 1-based): chr10:89,003,077, G>A. VCF-style: chr10-89003077-G-A. GRCh37 (hg19) VCF-style: chr10-90762834-G-A.
Other names: c.79G>A, p.Val27Met (NM_001320619.2, NM_152871.4, NM_152872.4); short protein forms V27M.
Identifiers: ClinVar variation 1520853 (VCV001520853.6), dbSNP rs201624874, ClinGen allele CA211325380.